The following is an entry in ClinVar:

NM_000045.4(ARG1):c.263_266del (p.Lys88fs)

Genes: ARG1 (arginase 1; plus strand), MED23 (mediator complex subunit 23; minus strand). Cytogenetic location: 6q23.2.
Variant type: Deletion.
Coding change: c.263_266del on transcript NM_000045.4 (MANE Select); coding-DNA positions 263 to 266, 4 bases deleted (AGAA; older notation c.263_266delAGAA).
Protein change: p.Lys88fs; shifts the reading frame from lysine 88.
Molecular consequence: frameshift variant. On other transcripts: non-coding transcript variant (1), intron variant (2).
Genome position (GRCh38, 1-based): chr6:131,579,243-131,579,246, AGAA deleted; deleting any 4 consecutive bases within chr6:131,579,242-131,579,246 gives the same sequence; the c. name uses the placement nearest the transcript's 3' end. VCF-style (leftmost placement, unchanged base first): chr6-131579241-CAAGA-C. GRCh37 (hg19) VCF-style: chr6-131900381-CAAGA-C.
Other names: c.287_290del, p.Lys96fs (NM_001244438.2); c.263_266del, p.Lys88fs (NM_001369020.1); c.4078-4950_4078-4947del (NM_001270521.2); c.4096-4950_4096-4947del (NM_015979.4); short protein forms K88fs, K96fs.
Identifiers: ClinVar variation 2386 (VCV000002386.7), dbSNP rs1773790103, ClinGen allele CA1664133818.

ClinVar aggregate classification (germline): Pathogenic. Review status: criteria provided, single submitter (1 of 4 stars). 2 submissions from 2 submitters: Pathogenic (1). 1 of the submissions does not count toward it. Last evaluated 2024-01-08.

Conditions:
Arginase deficiency. Also called: ARG1 DEFICIENCY; Arginase 1 Deficiency; ARGININEMIA. Identifiers: Orphanet 90, MedGen C0268548, MONDO:0008814, OMIM 207800.

Submissions (2):

Labcorp Genetics (formerly Invitae), Labcorp
Classification: Pathogenic for Arginase deficiency. Last evaluated: 2024-01-08. Review status: criteria provided, single submitter. Criteria: Invitae Variant Classification Sherloc (09022015). Collection method: clinical testing. Allele origin: germline.
Comment: This sequence change creates a premature translational stop signal (p.Lys88Argfs*45) in the ARG1 gene. It is expected to result in an absent or disrupted protein product. Loss-of-function variants in ARG1 are known to be pathogenic (PMID: 7649538, 12052859). This variant is not present in population databases (gnomAD no frequency). This premature translational stop signal has been observed in individual(s) with arginase deficiency (PMID: 2365823, 32769929). ClinVar contains an entry for this variant (Variation ID: 2386). Algorithms developed to predict the effect of sequence changes on RNA splicing suggest that this variant may disrupt the consensus splice site. For these reasons, this variant has been classified as Pathogenic.

OMIM
Classification: Pathogenic for ARGININEMIA. Last evaluated: 1990-07-01. Review status: no assertion criteria provided. Collection method: literature only. Allele origin: germline. Not counted in ClinVar's aggregate classification.

Literature cited by the submitters: PubMed 7649538 (cited by Labcorp Genetics (formerly Invitae), Labcorp); PubMed 12052859 (cited by Labcorp Genetics (formerly Invitae), Labcorp); PubMed 2365823 (cited by Labcorp Genetics (formerly Invitae), Labcorp and OMIM); PubMed 32769929 (cited by Labcorp Genetics (formerly Invitae), Labcorp).